The following is an entry in ClinVar:

NM_002693.3(POLG):c.3649G>A (p.Ala1217Thr)

Genes: FANCI (FA complementation group I; plus strand), POLG (DNA polymerase gamma, catalytic subunit; minus strand). Cytogenetic location: 15q26.1.
Variant type: single nucleotide variant.
Coding change: c.3649G>A on transcript NM_002693.3 (MANE Select); coding-DNA position 3649, G replaced by A.
Protein change: p.Ala1217Thr; replaces alanine 1217 with threonine.
Molecular consequence: missense variant. On other transcripts: 3 prime UTR variant (4).
Genome position (GRCh38, 1-based): chr15:89,316,822, C>T on the plus strand (G>A on the coding strand, the complement: POLG is on the minus strand). VCF-style: chr15-89316822-C-T. GRCh37 (hg19) VCF-style: chr15-89860053-C-T.
Other names: c.3649G>A, p.Ala1217Thr (NM_001126131.2); c.*363C>T (NM_001113378.2, NM_001376910.1, NM_001376911.1 and 1 more transcripts); short protein forms A1217T.
Identifiers: ClinVar variation 4805988 (VCV004805988.1).

ClinVar aggregate classification (germline): Uncertain significance (1 of 4 stars; one submission).

Conditions:
Progressive sclerosing poliodystrophy (MTDPS4A). Also called: ALPERS PROGRESSIVE INFANTILE POLIODYSTROPHY; NEURONAL DEGENERATION OF CHILDHOOD WITH LIVER DISEASE, PROGRESSIVE; Mitochondrial DNA Depletion Syndrome 4A; Alpers Syndrome; ALPERS DIFFUSE DEGENERATION OF CEREBRAL GRAY MATTER WITH HEPATIC CIRRHOSIS; Alpers-Huttenlocher Syndrome. Identifiers: Orphanet 726, MedGen C0205710, MONDO:0008758, OMIM 203700.

Submission:

Labcorp Genetics (formerly Invitae), Labcorp
Classification: Uncertain significance for Progressive sclerosing poliodystrophy. Last evaluated: 2025-03-18. Review status: criteria provided, single submitter. Criteria: Invitae Variant Classification Sherloc (09022015). Collection method: clinical testing. Allele origin: germline.
Comment: This sequence change replaces alanine, which is neutral and non-polar, with threonine, which is neutral and polar, at codon 1217 of the POLG protein (p.Ala1217Thr). This variant is not present in population databases (gnomAD no frequency). This variant has not been reported in the literature in individuals affected with POLG-related conditions. Invitae Evidence Modeling of protein sequence and biophysical properties (such as structural, functional, and spatial information, amino acid conservation, physicochemical variation, residue mobility, and thermodynamic stability) indicates that this missense variant is expected to disrupt POLG protein function with a positive predictive value of 80%. In summary, the available evidence is currently insufficient to determine the role of this variant in disease. Therefore, it has been classified as a Variant of Uncertain Significance.